The following is an entry in ClinVar:

NM_139058.3(ARX):c.899A>C (p.Glu300Ala)

Gene: ARX (aristaless related homeobox; minus strand). Cytogenetic location: Xp21.3.
Variant type: single nucleotide variant.
Coding change: c.899A>C on transcript NM_139058.3 (MANE Select); coding-DNA position 899, A replaced by C.
Protein change: p.Glu300Ala; replaces glutamic acid 300 with alanine.
Molecular consequence: missense variant.
Genome position (GRCh38, 1-based): chrX:25,013,096, T>G on the plus strand (A>C on the coding strand, the complement: ARX is on the minus strand). VCF-style: chrX-25013096-T-G. GRCh37 (hg19) VCF-style: chrX-25031213-T-G.
Other names: short protein forms E300A.
Identifiers: ClinVar variation 2929397 (VCV002929397.3), dbSNP rs2519106451, ClinGen allele CA412612210.

ClinVar aggregate classification (germline): Uncertain significance (1 of 4 stars; one submission).

Conditions:
Developmental and epileptic encephalopathy, 1 (DEE1). Also called: Epileptic encephalopathy, early infantile, 1; X-linked infantile spasms; West's syndrome; Tonic spasms with clustering, arrest of psychomotor development and hypsarrhythmia on EEG; X-Linked Infantile Spasm Syndrome; OHTAHARA SYNDROME, X-LINKED. Identifiers: MedGen C3463992, MONDO:0010632, OMIM 308350. Disease mechanism: loss of function.
Intellectual disability, X-linked, with or without seizures, ARX-related. Also called: INTELLECTUAL DEVELOPMENTAL DISORDER, X-LINKED 29; Mental retardation, X-linked 52; MENTAL RETARDATION, X-LINKED 29; MENTAL RETARDATION, X-LINKED 32; MENTAL RETARDATION, X-LINKED 33; MENTAL RETARDATION, X-LINKED 38. Identifiers: Orphanet 777, MedGen C0796244, MONDO:0010317, OMIM 300419.

Submission:

Labcorp Genetics (formerly Invitae), Labcorp
Classification: Uncertain significance for Developmental and epileptic encephalopathy, 1; Intellectual disability, X-linked, with or without seizures, ARX-related. Last evaluated: 2023-07-25. Review status: criteria provided, single submitter. Criteria: Invitae Variant Classification Sherloc (09022015). Collection method: clinical testing. Allele origin: germline.
Comment: This variant has not been reported in the literature in individuals affected with ARX-related conditions. In summary, the available evidence is currently insufficient to determine the role of this variant in disease. Therefore, it has been classified as a Variant of Uncertain Significance. Advanced modeling of protein sequence and biophysical properties (such as structural, functional, and spatial information, amino acid conservation, physicochemical variation, residue mobility, and thermodynamic stability) performed at Invitae indicates that this missense variant is not expected to disrupt ARX protein function. This variant is not present in population databases (gnomAD no frequency). This sequence change replaces glutamic acid, which is acidic and polar, with alanine, which is neutral and non-polar, at codon 300 of the ARX protein (p.Glu300Ala).